The following is an entry in ClinVar:

NM_000719.7(CACNA1C):c.3862G>T (p.Ala1288Ser)

Gene: CACNA1C (calcium voltage-gated channel subunit alpha1 C; plus strand). Cytogenetic location: 12p13.33.
Variant type: single nucleotide variant.
Coding change: c.3862G>T on transcript NM_000719.7 (MANE Select); coding-DNA position 3862, G replaced by T.
Protein change: p.Ala1288Ser; replaces alanine 1288 with serine.
Molecular consequence: missense variant. On other transcripts: intron variant (6).
Genome position (GRCh38, 1-based): chr12:2,634,330, G>T. VCF-style: chr12-2634330-G-T. GRCh37 (hg19) VCF-style: chr12-2743496-G-T.
Other names: c.4006G>T, p.Ala1336Ser (NM_001129827.2, NM_199460.4); c.3862G>T, p.Ala1288Ser (NM_001129829.2, NM_001129830.3, NM_001129834.2 and 8 more transcripts); c.3946G>T, p.Ala1316Ser (NM_001129831.2, NM_001129836.2); c.3922G>T, p.Ala1308Ser (NM_001129832.2); c.3912+618G>T (NM_001167624.3, NM_001167623.2, NM_001129833.2 and 2 more transcripts); c.3903+618G>T (NM_001129844.2); short protein forms A1288S, A1308S, A1336S, A1316S.
Identifiers: ClinVar variation 1735622 (VCV001735622.9), dbSNP rs367895193, ClinGen allele CA6389365.
Genomic context (GRCh38, chr12:2,634,330, plus strand): 5'-TCTCCCCGGCTGCTCTGCCCCATGCAGCACTATTTCTGTGATGCATGGAATACATTTGAC[G>T]CCTTGATTGTTGTGGGTAGCATTGTTGATATAGCAATCACCGAGGTAAACGTAAGTACAT-3'
Protein context (NP_000710.5, residues 1278-1298): YFCDAWNTFD[Ala1288Ser]LIVVGSIVDI

ClinVar aggregate classification (germline): Uncertain significance. Review status: criteria provided, multiple submitters, no conflicts (2 of 4 stars). 3 submissions from 3 submitters: Uncertain significance (3). Last evaluated 2025-07-09.

Conditions:
Cardiovascular phenotype. Identifiers: MedGen CN230736.
Long QT syndrome (LQTS). Identifiers: MedGen C0023976, MeSH D008133, MONDO:0002442. Disease mechanism: loss of function. Inheritance: Various modes of inheritance.

Allele frequency attached by ClinVar (database versions not stated): ESP Exome Variant Server 0.00008.
gnomAD v4.1: 22 of 1,581,328 alleles (0.0014%); highest among the groups gnomAD compares: Non-Finnish European, 0.0019%; no homozygotes.

Submissions (3):

GeneDx
Classification: Uncertain significance. Last evaluated: 2025-07-09. Review status: criteria provided, single submitter. Criteria: GeneDx Variant Classification Process June 2021. Collection method: clinical testing. Allele origin: germline. Affected: yes.
Comment: Not observed at significant frequency in large population cohorts (gnomAD); In silico analysis suggests that this missense variant does not alter protein structure/function; Has not been previously published as pathogenic or benign to our knowledge

Labcorp Genetics (formerly Invitae), Labcorp
Classification: Uncertain significance for Long QT syndrome. Last evaluated: 2024-09-17. Review status: criteria provided, single submitter. Criteria: Invitae Variant Classification Sherloc (09022015). Collection method: clinical testing. Allele origin: germline.
Comment: This sequence change replaces alanine, which is neutral and non-polar, with serine, which is neutral and polar, at codon 1288 of the CACNA1C protein (p.Ala1288Ser). The frequency data for this variant in the population databases is considered unreliable, as metrics indicate poor data quality at this position in the gnomAD database. This variant has not been reported in the literature in individuals affected with CACNA1C-related conditions. ClinVar contains an entry for this variant (Variation ID: 1735622). Invitae Evidence Modeling of protein sequence and biophysical properties (such as structural, functional, and spatial information, amino acid conservation, physicochemical variation, residue mobility, and thermodynamic stability) indicates that this missense variant is not expected to disrupt CACNA1C protein function with a negative predictive value of 95%. In summary, the available evidence is currently insufficient to determine the role of this variant in disease. Therefore, it has been classified as a Variant of Uncertain Significance.

Ambry Genetics
Classification: Uncertain significance for Cardiovascular phenotype. Last evaluated: 2024-02-14. Review status: criteria provided, single submitter. Criteria: Ambry Variant Classification Scheme 2023. Collection method: clinical testing. Allele origin: germline.
Comment: The p.A1288S variant (also known as c.3862G>T), located in coding exon 30 of the CACNA1C gene, results from a G to T substitution at nucleotide position 3862. The alanine at codon 1288 is replaced by serine, an amino acid with similar properties. This amino acid position is highly conserved in available vertebrate species. In addition, this alteration is predicted to be deleterious by in silico analysis. Based on the supporting evidence, the association of this alteration with CACNA1C-related neurodevelopmental disorder is unknown; however, the association of this alteration with Timothy syndrome or long QT syndrome is unlikely.